The following is an entry in ClinVar:

NM_001008693.3(CST9):c.136A>G (p.Met46Val)

Gene: CST9 (cystatin 9; minus strand). Cytogenetic location: 20p11.21.
Variant type: single nucleotide variant.
Coding change: c.136A>G on transcript NM_001008693.3 (MANE Select); coding-DNA position 136, A replaced by G.
Protein change: p.Met46Val; replaces methionine 46 with valine.
Molecular consequence: missense variant.
Genome position (GRCh38, 1-based): chr20:23,605,729, T>C on the plus strand (A>G on the coding strand, the complement: CST9 is on the minus strand). VCF-style: chr20-23605729-T-C. GRCh37 (hg19) VCF-style: chr20-23586366-T-C.
Other names: short protein forms M46V.
Identifiers: ClinVar variation 2652241 (VCV002652241.24), dbSNP rs148465199, ClinGen allele CA9790105.

ClinVar aggregate classification (germline): Likely benign (1 of 4 stars; one submission).

Allele frequency attached by ClinVar (database versions not stated): 1000 Genomes Project 0.00240; 1000 Genomes Project 30x 0.00250; TOPMed 0.00406; gnomAD 0.00407; ExAC 0.00467; ESP Exome Variant Server 0.00500; gnomAD exomes 0.00558.

Submission:

CeGaT Center for Human Genetics Tuebingen
Classification: Likely benign. Last evaluated: 2023-02-01. Review status: criteria provided, single submitter. Criteria: CeGaT Center For Human Genetics Tuebingen Variant Classification Criteria Version 2. Collection method: clinical testing. Allele origin: germline. Affected: yes. Observed: 1 variant allele.
Comment: CST9: BP4, BS2